The following is an entry in ClinVar:

ClinVar aggregate classification (germline): Uncertain significance (1 of 4 stars; one submission).

Conditions:
Autosomal recessive limb-girdle muscular dystrophy type 2O. Also called: Limb-Girdle Muscular Dystrophy Type 3C; MUSCULAR DYSTROPHY-DYSTROGLYCANOPATHY (LIMB-GIRDLE), TYPE C, 3; MUSCULAR DYSTROPHY-DYSTROGLYCANOPATHY, LIMB-GIRDLE, POMGNT1-RELATED. Identifiers: Orphanet 206564, MedGen C3150417, MONDO:0013161, OMIM 613157.
Muscular dystrophy-dystroglycanopathy (congenital with impaired intellectual development), type B, 3. Also called: Muscular dystrophy-dystroglycanopathy (congenital with intellectual disability), type B3; MUSCULAR DYSTROPHY, CONGENITAL, POMGNT1-RELATED. Identifiers: MedGen C3150412, MONDO:0013155, OMIM 613151.

Allele frequency attached by ClinVar (database versions not stated): gnomAD exomes below 0.00001.
gnomAD v4.1: 1 of 1,614,194 alleles (0.000062%); highest among the groups gnomAD compares: South Asian, 0.0011%; no homozygotes.

Submission:

Labcorp Genetics (formerly Invitae), Labcorp
Classification: Uncertain significance for Autosomal recessive limb-girdle muscular dystrophy type 2O; Muscular dystrophy-dystroglycanopathy (congenital with impaired intellectual development), type B, 3. Last evaluated: 2022-04-22. Review status: criteria provided, single submitter. Criteria: Invitae Variant Classification Sherloc (09022015). Collection method: clinical testing. Allele origin: germline.
Comment: In summary, the available evidence is currently insufficient to determine the role of this variant in disease. Therefore, it has been classified as a Variant of Uncertain Significance. Advanced modeling of protein sequence and biophysical properties (such as structural, functional, and spatial information, amino acid conservation, physicochemical variation, residue mobility, and thermodynamic stability) performed at Invitae indicates that this missense variant is not expected to disrupt POMGNT1 protein function. This variant has not been reported in the literature in individuals affected with POMGNT1-related conditions. This variant is not present in population databases (gnomAD no frequency). This sequence change replaces alanine, which is neutral and non-polar, with threonine, which is neutral and polar, at codon 378 of the POMGNT1 protein (p.Ala378Thr).

NM_017739.4(POMGNT1):c.1132G>A (p.Ala378Thr)

Genes: POMGNT1 (protein O-linked mannose N-acetylglucosaminyltransferase 1 (beta 1,2-); minus strand), TSPAN1 (tetraspanin 1; plus strand). Cytogenetic location: 1p34.1.
Variant type: single nucleotide variant.
Coding change: c.1132G>A on transcript NM_017739.4 (MANE Select); coding-DNA position 1132, G replaced by A.
Protein change: p.Ala378Thr; replaces alanine 378 with threonine.
Molecular consequence: missense variant.
Genome position (GRCh38, 1-based): chr1:46,193,194, C>T on the plus strand (G>A on the coding strand, the complement: POMGNT1 is on the minus strand). VCF-style: chr1-46193194-C-T. GRCh37 (hg19) VCF-style: chr1-46658866-C-T.
Other names: c.1132G>A, p.Ala378Thr (NM_001243766.2, NM_001410783.1); c.1066G>A, p.Ala356Thr (NM_001290129.3); c.703G>A, p.Ala235Thr (NM_001290130.2); short protein forms A378T, A356T, A235T.
Identifiers: ClinVar variation 2129452 (VCV002129452.4), dbSNP rs2525403598, ClinGen allele CA340179460.